The following is an entry in ClinVar:

ClinVar aggregate classification (germline): Uncertain significance. Review status: criteria provided, multiple submitters, no conflicts (2 of 4 stars). 2 submissions from 2 submitters: Uncertain significance (2). Last evaluated 2025-06-10.

Conditions:
Inborn genetic diseases. Identifiers: MedGen C0950123, MeSH D030342.

gnomAD v4.1: 7 of 1,613,634 alleles (0.00043%); highest among the groups gnomAD compares: African/African-American, 0.008%; no homozygotes.

Submissions (2):

Ambry Genetics
Classification: Uncertain significance for Inborn genetic diseases. Last evaluated: 2025-06-10. Review status: criteria provided, single submitter. Criteria: Ambry Variant Classification Scheme 2023. Collection method: clinical testing. Allele origin: germline.

Labcorp Genetics (formerly Invitae), Labcorp
Classification: Uncertain significance. Last evaluated: 2025-03-13. Review status: criteria provided, single submitter. Criteria: Invitae Variant Classification Sherloc (09022015). Collection method: clinical testing. Allele origin: germline.
Comment: This sequence change replaces arginine, which is basic and polar, with proline, which is neutral and non-polar, at codon 2837 of the HSPG2 protein (p.Arg2837Pro). This variant is present in population databases (no rsID available, gnomAD 0.007%). This variant has not been reported in the literature in individuals affected with HSPG2-related conditions. An algorithm developed to predict the effect of missense changes on protein structure and function (PolyPhen-2) suggests that this variant is likely to be tolerated. In summary, the available evidence is currently insufficient to determine the role of this variant in disease. Therefore, it has been classified as a Variant of Uncertain Significance.

NM_005529.7(HSPG2):c.8510G>C (p.Arg2837Pro)

Gene: HSPG2 (heparan sulfate proteoglycan 2; minus strand). Cytogenetic location: 1p36.12.
Variant type: single nucleotide variant.
Coding change: c.8510G>C on transcript NM_005529.7 (MANE Select); coding-DNA position 8510, G replaced by C.
Protein change: p.Arg2837Pro; replaces arginine 2837 with proline.
Molecular consequence: missense variant.
Genome position (GRCh38, 1-based): chr1:21,844,254, C>G on the plus strand (G>C on the coding strand, the complement: HSPG2 is on the minus strand). VCF-style: chr1-21844254-C-G. GRCh37 (hg19) VCF-style: chr1-22170747-C-G.
Other names: c.8513G>C, p.Arg2838Pro (NM_001291860.2); short protein forms R2837P, R2838P.
Identifiers: ClinVar variation 4036723 (VCV004036723.2).